The following is an entry in ClinVar:

NM_000448.3(RAG1):c.1677G>C (p.Arg559Ser)

Gene: RAG1 (recombination activating 1; plus strand). Cytogenetic location: 11p12.
Variant type: single nucleotide variant.
Coding change: c.1677G>C on transcript NM_000448.3 (MANE Select); coding-DNA position 1677, G replaced by C.
Protein change: p.Arg559Ser; replaces arginine 559 with serine.
Molecular consequence: missense variant.
Genome position (GRCh38, 1-based): chr11:36,574,981, G>C. VCF-style: chr11-36574981-G-C. GRCh37 (hg19) VCF-style: chr11-36596531-G-C.
Other names: c.1677G>C, p.Arg559Ser (NM_001377277.1, NM_001377278.1, NM_001377279.1 and 3 more transcripts); short protein forms R559S.
Identifiers: ClinVar variation 4783719 (VCV004783719.1).

ClinVar aggregate classification (germline): Pathogenic (1 of 4 stars; one submission).

Conditions:
Combined immunodeficiency with skin granulomas. Identifiers: Orphanet 157949, MedGen C2673536, MONDO:0009306, OMIM 233650.
Severe combined immunodeficiency, autosomal recessive, T cell-negative, B cell-negative, NK cell-positive. Also called: Severe combined immunodeficiency due to complete RAG1/2 deficiency; SCID, T CELL-NEGATIVE, B CELL-NEGATIVE, NK CELL-POSITIVE; SCID, AR, T-cell negative, B-cell negative, NK cell-positive. Identifiers: Orphanet 331206, MedGen C1832322, MONDO:0011086, OMIM 601457.

gnomAD v4.1: 2 of 1,614,156 alleles (0.00012%); highest among the groups gnomAD compares: Non-Finnish European, 0.00017%; no homozygotes.

Submission:

Labcorp Genetics (formerly Invitae), Labcorp
Classification: Pathogenic for Combined immunodeficiency with skin granulomas; Severe combined immunodeficiency, autosomal recessive, T cell-negative, B cell-negative, NK cell-positive. Last evaluated: 2025-06-26. Review status: criteria provided, single submitter. Criteria: Invitae Variant Classification Sherloc (09022015). Collection method: clinical testing. Allele origin: germline.
Comment: This sequence change replaces arginine, which is basic and polar, with serine, which is neutral and polar, at codon 559 of the RAG1 protein (p.Arg559Ser). This variant is not present in population databases (gnomAD no frequency). This missense change has been observed in individual(s) with Omenn syndrome (PMID: 11133745, 24290284, 30307608). Invitae Evidence Modeling of protein sequence and biophysical properties (such as structural, functional, and spatial information, amino acid conservation, physicochemical variation, residue mobility, and thermodynamic stability) has been performed for this missense variant. However, the output from this modeling did not meet the statistical confidence thresholds required to predict the impact of this variant on RAG1 protein function. Experimental studies have shown that this missense change affects RAG1 function (PMID: 24290284). For these reasons, this variant has been classified as Pathogenic.

Literature cited by the submitters: PubMed 11133745; PubMed 24290284; PubMed 30307608.